The following is an entry in ClinVar:

NM_004958.4(MTOR):c.1115A>C (p.Gln372Pro)

Gene: MTOR (mechanistic target of rapamycin kinase; minus strand). Cytogenetic location: 1p36.22.
Variant type: single nucleotide variant.
Coding change: c.1115A>C on transcript NM_004958.4 (MANE Select); coding-DNA position 1115, A replaced by C.
Protein change: p.Gln372Pro; replaces glutamine 372 with proline.
Molecular consequence: missense variant. On other transcripts: 5 prime UTR variant (1).
Genome position (GRCh38, 1-based): chr1:11,247,820, T>G on the plus strand (A>C on the coding strand, the complement: MTOR is on the minus strand). VCF-style: chr1-11247820-T-G. GRCh37 (hg19) VCF-style: chr1-11307877-T-G.
Other names: c.1115A>C, p.Gln372Pro (NM_001386500.1); c.-25A>C (NM_001386501.1); short protein forms Q372P.
Identifiers: ClinVar variation 5037321 (VCV005037321.1).

ClinVar aggregate classification (germline): Uncertain significance (1 of 4 stars; one submission).

Submission:

GeneDx
Classification: Uncertain significance. Last evaluated: 2026-04-16. Review status: criteria provided, single submitter. Criteria: GeneDx Variant Classification Process June 2021. Collection method: clinical testing. Allele origin: germline.
Comment: Not observed at significant frequency in large population cohorts (gnomAD); In silico analysis supports that this missense variant has a deleterious effect on protein structure/function; Has not been previously published as pathogenic or benign to our knowledge